The following is an entry in ClinVar:

NM_005585.5(SMAD6):c.443C>T (p.Ala148Val)

Gene: SMAD6 (SMAD family member 6; plus strand). Cytogenetic location: 15q22.31.
Variant type: single nucleotide variant.
Coding change: c.443C>T on transcript NM_005585.5 (MANE Select); coding-DNA position 443, C replaced by T.
Protein change: p.Ala148Val; replaces alanine 148 with valine.
Molecular consequence: missense variant. On other transcripts: non-coding transcript variant (1).
Genome position (GRCh38, 1-based): chr15:66,703,701, C>T. VCF-style: chr15-66703701-C-T. GRCh37 (hg19) VCF-style: chr15-66996039-C-T.
Other names: short protein forms A148V.
Identifiers: ClinVar variation 4825483 (VCV004825483.1).

ClinVar aggregate classification (germline): Uncertain significance (1 of 4 stars; one submission).

Conditions:
Inborn genetic diseases. Identifiers: MedGen C0950123, MeSH D030342.

Submission:

Ambry Genetics
Classification: Uncertain significance for Inborn genetic diseases. Last evaluated: 2026-01-24. Review status: criteria provided, single submitter. Criteria: Ambry Variant Classification Scheme 2023. Collection method: clinical testing. Allele origin: germline.
Comment: The p.A148V variant (also known as c.443C>T), located in coding exon 1 of the SMAD6 gene, results from a C to T substitution at nucleotide position 443. The alanine at codon 148 is replaced by valine, an amino acid with similar properties. This amino acid position is conserved. In addition, this alteration is predicted to be tolerated by in silico analysis. Based on the available evidence, the clinical significance of this variant remains unclear.